The following is an entry in ClinVar:

NM_024422.6(DSC2):c.1421C>T (p.Pro474Leu)

Gene: DSC2 (desmocollin 2; minus strand). Cytogenetic location: 18q12.1.
Variant type: single nucleotide variant.
Coding change: c.1421C>T on transcript NM_024422.6 (MANE Select); coding-DNA position 1421, C replaced by T.
Protein change: p.Pro474Leu; replaces proline 474 with leucine.
Molecular consequence: missense variant.
Genome position (GRCh38, 1-based): chr18:31,080,195, G>A on the plus strand (C>T on the coding strand, the complement: DSC2 is on the minus strand). VCF-style: chr18-31080195-G-A. GRCh37 (hg19) VCF-style: chr18-28660161-G-A.
Other names: c.1421C>T, p.Pro474Leu (NM_004949.5); short protein forms P474L.
Identifiers: ClinVar variation 450512 (VCV000450512.13), dbSNP rs776398212, ClinGen allele CA031325.

ClinVar aggregate classification (germline): Conflicting classifications of pathogenicity. Review status: criteria provided, conflicting classifications (1 of 4 stars). 5 submissions from 5 submitters: Uncertain significance (3); Benign (1); Likely benign (1). Last evaluated 2025-09-09.

Conditions:
Cardiovascular phenotype. Identifiers: MedGen CN230736.
Arrhythmogenic right ventricular dysplasia 11. Also called: Arrhythmogenic Right Ventricular Dysplasia/Cardiomyopathy11; ARRHYTHMOGENIC RIGHT VENTRICULAR DYSPLASIA, FAMILIAL, 11; Arrhythmogenic right ventricular dysplasia 11 with mild palmoplantar keratoderma and woolly hair. Identifiers: MedGen C1864850, MONDO:0012506, OMIM 610476.
Familial isolated arrhythmogenic right ventricular dysplasia. Identifiers: Orphanet 217656, MedGen C4274968, MONDO:0016342.
Cardiomyopathy (CMYO). Also called: Cardiomyopathies. Identifiers: Orphanet 167848, MedGen C0878544, MONDO:0004994, HP:0001638. Inheritance: Various modes of inheritance.

Allele frequency attached by ClinVar (database versions not stated): TOPMed below 0.00001; ExAC 0.00002; gnomAD exomes 0.00001.
gnomAD v4.1: 6 of 1,613,994 alleles (0.00037%); highest among the groups gnomAD compares: East Asian, 0.0089%; no homozygotes.

Submissions (5):

Color Diagnostics, LLC DBA Color Health
Classification: Likely benign for Cardiomyopathy. Last evaluated: 2025-09-09. Review status: criteria provided, single submitter. Criteria: ACMG Guidelines, 2015. Collection method: clinical testing. Allele origin: germline.

Labcorp Genetics (formerly Invitae), Labcorp
Classification: Uncertain significance for Arrhythmogenic right ventricular dysplasia 11. Last evaluated: 2025-02-11. Review status: criteria provided, single submitter. Criteria: Invitae Variant Classification Sherloc (09022015). Collection method: clinical testing. Allele origin: germline.
Comment: This sequence change replaces proline, which is neutral and non-polar, with leucine, which is neutral and non-polar, at codon 474 of the DSC2 protein (p.Pro474Leu). This variant is present in population databases (rs776398212, gnomAD 0.01%). This missense change has been observed in individual(s) with hypertrophic cardiomyopathy (PMID: 32746448). ClinVar contains an entry for this variant (Variation ID: 450512). Invitae Evidence Modeling of protein sequence and biophysical properties (such as structural, functional, and spatial information, amino acid conservation, physicochemical variation, residue mobility, and thermodynamic stability) indicates that this missense variant is not expected to disrupt DSC2 protein function with a negative predictive value of 80%. In summary, the available evidence is currently insufficient to determine the role of this variant in disease. Therefore, it has been classified as a Variant of Uncertain Significance.

GeneDx
Classification: Uncertain significance. Last evaluated: 2024-11-08. Review status: criteria provided, single submitter. Criteria: GeneDx Variant Classification Process June 2021. Collection method: clinical testing. Allele origin: germline. Affected: yes.
Comment: Observed in a pediatric patient with hypertrophic cardiomyopathy; however the patient also harbored variants in multiple other cardiomyopathy genes (PMID: 32746448); Not observed at significant frequency in large population cohorts (gnomAD); In silico analysis supports that this missense variant has a deleterious effect on protein structure/function; This variant is associated with the following publications: (PMID: 32746448)

Ambry Genetics
Classification: Benign for Cardiovascular phenotype. Last evaluated: 2024-04-16. Review status: criteria provided, single submitter. Criteria: Ambry Variant Classification Scheme 2023. Collection method: clinical testing. Allele origin: germline.

All of Us Research Program, National Institutes of Health
Classification: Uncertain significance for Familial isolated arrhythmogenic right ventricular dysplasia. Last evaluated: 2023-10-02. Review status: criteria provided, single submitter. Criteria: ACMG Guidelines, 2015. Collection method: clinical testing. Allele origin: germline. Inheritance: Autosomal dominant inheritance. Observed: 3 variant alleles, 3 heterozygotes.
Comment: This missense variant replaces proline with leucine at codon 474 of the DSC2 protein. Computational prediction suggests that this variant may not impact protein structure and function (internally defined REVEL score threshold <= 0.5, PMID: 27666373). To our knowledge, functional studies have not been reported for this variant. This variant has been reported in an individual affected with hypertrophic cardiomyopathy (PMID: 32746448). This variant has been identified in 2/251200 chromosomes in the general population by the Genome Aggregation Database (gnomAD). The available evidence is insufficient to determine the role of this variant in disease conclusively. Therefore, this variant is classified as a Variant of Uncertain Significance.

This study involves interpretation of variants in research participants for the purpose of population health screening. Participant phenotype was not available at the time of variant classification. Additional details can be found in publication PMID: 35346344, PMCID: PMC8962531

Literature cited by the submitters: PubMed 32746448 (cited by Labcorp Genetics (formerly Invitae), Labcorp and All of Us Research Program, National Institutes of Health).